The following is an entry in ClinVar:

NM_139318.5(KCNH5):c.550G>A (p.Val184Ile)

Gene: KCNH5 (potassium voltage-gated channel subfamily H member 5; minus strand). Cytogenetic location: 14q23.2.
Variant type: single nucleotide variant.
Coding change: c.550G>A on transcript NM_139318.5 (MANE Select); coding-DNA position 550, G replaced by A.
Protein change: p.Val184Ile; replaces valine 184 with isoleucine.
Molecular consequence: missense variant.
Genome position (GRCh38, 1-based): chr14:62,981,264, C>T on the plus strand (G>A on the coding strand, the complement: KCNH5 is on the minus strand). VCF-style: chr14-62981264-C-T. GRCh37 (hg19) VCF-style: chr14-63447982-C-T.
Other names: c.550G>A, p.Val184Ile (NM_172375.3); short protein forms V184I.
Identifiers: ClinVar variation 461397 (VCV000461397.9), dbSNP rs752609494, ClinGen allele CA7217623.
Genomic context (GRCh38, chr14:62,981,264, plus strand): 5'-GTGGCGTCTTTGGCGCTTCTTGTTTATACTGAGGAAGGATATCTGATCCCAGCTGAAGAA[C>T]CTAAAAGAGAGAAAATGTATTTATACATGACTAGGTTATCTCTGCACAGTCAGTGATGAA-3'
Protein context (NP_647479.2, residues 174-194): VVHKHSRLAE[Val184Ile]LQLGSDILPQ

ClinVar aggregate classification (germline): Uncertain significance (1 of 4 stars; one submission).

Conditions:
Early-infantile DEE. Also called: Early infantile epileptic encephalopathy; Ohtahara syndrome; Early infantile epileptic encephalopathy with suppression bursts. Identifiers: Orphanet 1934, MedGen C0393706, MONDO:0800491.

Allele frequency attached by ClinVar (database versions not stated): TOPMed below 0.00001; gnomAD 0.00001; ExAC 0.00003.
gnomAD v4.1: 6 of 1,613,676 alleles (0.00037%); highest among the groups gnomAD compares: Admixed American, 0.0067%; no homozygotes.

Submission:

Labcorp Genetics (formerly Invitae), Labcorp
Classification: Uncertain significance for Early-infantile DEE. Last evaluated: 2025-09-10. Review status: criteria provided, single submitter. Criteria: Invitae Variant Classification Sherloc (09022015). Collection method: clinical testing. Allele origin: germline.
Comment: This sequence change replaces valine, which is neutral and non-polar, with isoleucine, which is neutral and non-polar, at codon 184 of the KCNH5 protein (p.Val184Ile). This variant is present in population databases (rs752609494, gnomAD 0.006%). This variant has not been reported in the literature in individuals affected with KCNH5-related conditions. ClinVar contains an entry for this variant (Variation ID: 461397). An algorithm developed to predict the effect of missense changes on protein structure and function (PolyPhen-2) suggests that this variant is likely to be tolerated. In summary, the available evidence is currently insufficient to determine the role of this variant in disease. Therefore, it has been classified as a Variant of Uncertain Significance.